The following is an entry in ClinVar:

ClinVar aggregate classification (germline): Uncertain significance (1 of 4 stars; one submission).

Conditions:
CHARGE syndrome (CHARGE). Also called: Hittner Hirsch Kreh syndrome; CHARGE ASSOCIATION--COLOBOMA, HEART ANOMALY, CHOANAL ATRESIA, RETARDATION, GENITAL AND EAR ANOMALIES; Coloboma, heart anomaly, choanal atresia, retardation, genital and ear anomalies; CHARGE association; Hall-Hittner syndrome. Identifiers: Orphanet 138, MedGen C0265354, MONDO:0008965.

Submission:

Labcorp Genetics (formerly Invitae), Labcorp
Classification: Uncertain significance for CHARGE syndrome. Last evaluated: 2023-02-14. Review status: criteria provided, single submitter. Criteria: Invitae Variant Classification Sherloc (09022015). Collection method: clinical testing. Allele origin: germline.
Comment: This sequence change replaces asparagine, which is neutral and polar, with histidine, which is basic and polar, at codon 2612 of the CHD7 protein (p.Asn2612His). This variant is not present in population databases (gnomAD no frequency). This variant has not been reported in the literature in individuals affected with CHD7-related conditions. Advanced modeling of protein sequence and biophysical properties (such as structural, functional, and spatial information, amino acid conservation, physicochemical variation, residue mobility, and thermodynamic stability) performed at Invitae indicates that this missense variant is not expected to disrupt CHD7 protein function. Algorithms developed to predict the effect of sequence changes on RNA splicing suggest that this variant may disrupt the consensus splice site. In summary, the available evidence is currently insufficient to determine the role of this variant in disease. Therefore, it has been classified as a Variant of Uncertain Significance.

NM_017780.4(CHD7):c.7834A>C (p.Asn2612His)

Gene: CHD7 (chromodomain helicase DNA binding protein 7; plus strand). Cytogenetic location: 8q12.2.
Variant type: single nucleotide variant.
Coding change: c.7834A>C on transcript NM_017780.4 (MANE Select); coding-DNA position 7834, A replaced by C.
Protein change: p.Asn2612His; replaces asparagine 2612 with histidine.
Molecular consequence: missense variant. On other transcripts: intron variant (1).
Genome position (GRCh38, 1-based): chr8:60,862,199, A>C. VCF-style: chr8-60862199-A-C. GRCh37 (hg19) VCF-style: chr8-61774758-A-C.
Other names: c.1717-30A>C (NM_001316690.1); short protein forms N2612H.
Identifiers: ClinVar variation 2837496 (VCV002837496.3), dbSNP rs2488117390, ClinGen allele CA371305107.